The following is an entry in ClinVar:

NM_000214.3(JAG1):c.1014C>T (p.His338=)

Gene: JAG1 (jagged canonical Notch ligand 1; minus strand). Cytogenetic location: 20p12.2.
Variant type: single nucleotide variant.
Coding change: c.1014C>T on transcript NM_000214.3 (MANE Select); coding-DNA position 1014, C replaced by T.
Protein change: p.His338=; no amino-acid change (histidine 338 retained).
Molecular consequence: synonymous variant.
Genome position (GRCh38, 1-based): chr20:10,651,687, G>A on the plus strand (C>T on the coding strand, the complement: JAG1 is on the minus strand). VCF-style: chr20-10651687-G-A. GRCh37 (hg19) VCF-style: chr20-10632335-G-A.
Other names: c.1014C>T (NM_000214.2).
Identifiers: ClinVar variation 1623659 (VCV001623659.10), dbSNP rs199971175, ClinGen allele CA9764989.

ClinVar aggregate classification (germline): Likely benign. Review status: criteria provided, single submitter (1 of 4 stars). 2 submissions from 2 submitters: Likely benign (1). 1 of the submissions does not count toward it. Last evaluated 2022-11-19.

Conditions:
Alagille syndrome due to a JAG1 point mutation. Also called: JAG1-Related Alagille Syndrome; Alagille Syndrome 1; HEPATIC DUCTULAR HYPOPLASIA, SYNDROMATIC. Identifiers: Orphanet 261619, Orphanet 52, MedGen C1956125, MONDO:0016862, OMIM 118450.
JAG1-related disorder. Also called: JAG1-related condition; JAG1-related disorders.

Allele frequency attached by ClinVar (database versions not stated): gnomAD exomes below 0.00001 and 0.00003; gnomAD 0.00001; TOPMed 0.00001; 1000 Genomes Project 0.00020; 1000 Genomes Project 30x 0.00031.
gnomAD v4.1: 38 of 1,610,818 alleles (0.0024%); highest among the groups gnomAD compares: Middle Eastern, 0.017%; no homozygotes.

Submissions (2):

Labcorp Genetics (formerly Invitae), Labcorp
Classification: Likely benign for Alagille syndrome due to a JAG1 point mutation. Last evaluated: 2022-11-19. Review status: criteria provided, single submitter. Criteria: Invitae Variant Classification Sherloc (09022015). Collection method: clinical testing. Allele origin: germline.

PreventionGenetics, part of Exact Sciences
Classification: Likely benign for JAG1-related condition. Last evaluated: 2021-12-23. Review status: no assertion criteria provided. Collection method: clinical testing. Allele origin: germline. Not counted in ClinVar's aggregate classification.
Comment: This variant is classified as likely benign based on ACMG/AMP sequence variant interpretation guidelines (Richards et al. 2015 PMID: 25741868, with internal and published modifications).